The following is an entry in ClinVar:

NM_014845.6(FIG4):c.1752T>A (p.Asp584Glu)

Gene: FIG4 (FIG4 phosphoinositide 5-phosphatase; plus strand). Cytogenetic location: 6q21.
Variant type: single nucleotide variant.
Coding change: c.1752T>A on transcript NM_014845.6 (MANE Select); coding-DNA position 1752, T replaced by A.
Protein change: p.Asp584Glu; replaces aspartic acid 584 with glutamic acid.
Molecular consequence: missense variant.
Genome position (GRCh38, 1-based): chr6:109,776,923, T>A. VCF-style: chr6-109776923-T-A. GRCh37 (hg19) VCF-style: chr6-110098126-T-A.
Other names: short protein forms D584E.
Identifiers: ClinVar variation 407086 (VCV000407086.8), dbSNP rs1060501402, ClinGen allele CA16611934.

ClinVar aggregate classification (germline): Uncertain significance (1 of 4 stars; one submission).

Conditions:
Charcot-Marie-Tooth disease type 4. Also called: Charcot-Marie-Tooth, Type 4; Charcot-Marie-Tooth disease, type IV. Identifiers: Orphanet 64749, MedGen C4082197, MONDO:0018995.

Allele frequency attached by ClinVar (database versions not stated): gnomAD exomes below 0.00001.
gnomAD v4.1: 1 of 1,612,740 alleles (0.000062%); highest among the groups gnomAD compares: Non-Finnish European, 0.000085%; no homozygotes.

Submission:

Labcorp Genetics (formerly Invitae), Labcorp
Classification: Uncertain significance for Charcot-Marie-Tooth disease type 4. Last evaluated: 2016-04-29. Review status: criteria provided, single submitter. Criteria: Invitae Variant Classification Sherloc (09022015). Collection method: clinical testing. Allele origin: germline.
Comment: In summary, this variant is a novel missense change with uncertain impact on protein function. It has been classified as a Variant of Uncertain Significance. Algorithms developed to predict the effect of missense changes on protein structure and function (SIFT, PolyPhen-2, Align-GVGD) all suggest that this variant is likely to be disruptive, but these predictions have not been confirmed by published functional studies. This sequence change replaces aspartic acid with glutamic acid at codon 584 of the FIG4 protein (p.Asp584Glu). The aspartic acid residue is highly conserved and there is a small physicochemical difference between aspartic acid and glutamic acid. This variant is not present in population databases (ExAC no frequency) and has not been reported in the literature in individuals with a FIG4-related disease.